The following is an entry in ClinVar:

ClinVar aggregate classification (germline): Conflicting classifications of pathogenicity. Review status: criteria provided, conflicting classifications (1 of 4 stars). 8 submissions from 8 submitters: Pathogenic (5); Likely pathogenic (2); Uncertain significance (1). Last evaluated 2026-05-27.

Conditions:
Myofibrillar myopathy 5. Also called: FILAMINOPATHY, AUTOSOMAL DOMINANT; Filaminopathy (type). Identifiers: Orphanet 171445, MedGen C1836050, MONDO:0012289, OMIM 609524.
Distal myopathy with posterior leg and anterior hand involvement. Also called: WILLIAMS DISTAL MYOPATHY. Identifiers: Orphanet 63273, MedGen C3279722, MONDO:0013550, OMIM 614065.
Hypertrophic cardiomyopathy 26. Also called: Cardiomyopathy, familial hypertrophic, 26. Identifiers: Orphanet 75249, MedGen C4310749, MONDO:0014883, OMIM 617047.
Cardiovascular phenotype. Identifiers: MedGen CN230736.
FLNC-related disorder. Also called: FLNC-related disorders; FLNC-related condition.

Allele frequency attached by ClinVar (database versions not stated): gnomAD exomes below 0.00001; ExAC 0.00001; TOPMed 0.00001; gnomAD 0.00002.
gnomAD v4.1: 3 of 1,613,660 alleles (0.00019%); highest among the groups gnomAD compares: Non-Finnish European, 0.00025%; no homozygotes.

Submissions (8):

GeneDx
Classification: Pathogenic. Last evaluated: 2026-05-27. Review status: criteria provided, single submitter. Criteria: GeneDx Variant Classification Process June 2021. Collection method: clinical testing. Allele origin: germline.
Comment: Not observed at significant frequency in large population cohorts (gnomAD); In silico analysis supports that this missense variant has a deleterious effect on protein structure/function; This variant is associated with the following publications: (PMID: 32112656, 6, 39411012, 41163992, 36252119, Sanoja2018[CaseReport], 41672210, 35026164)

Labcorp Genetics (formerly Invitae), Labcorp
Classification: Pathogenic for Distal myopathy with posterior leg and anterior hand involvement; Myofibrillar myopathy 5; Hypertrophic cardiomyopathy 26. Last evaluated: 2026-01-14. Review status: criteria provided, single submitter. Criteria: Invitae Variant Classification Sherloc (09022015). Collection method: clinical testing. Allele origin: germline.
Comment: This sequence change replaces glycine, which is neutral and non-polar, with serine, which is neutral and polar, at codon 1546 of the FLNC protein (p.Gly1546Ser). This variant is present in population databases (rs774263134, gnomAD 0.002%). This missense change has been observed in individual(s) with restrictive cardiomyopathy (PMID: 32112656; Sanoja et al. 2018. J Transl Genet Genom. 2:6). It has also been observed to segregate with disease in related individuals. ClinVar contains an entry for this variant (Variation ID: 472074). Invitae Evidence Modeling of protein sequence and biophysical properties (such as structural, functional, and spatial information, amino acid conservation, physicochemical variation, residue mobility, and thermodynamic stability) has been performed for this missense variant. However, the output from this modeling did not meet the statistical confidence thresholds required to predict the impact of this variant on FLNC protein function. For these reasons, this variant has been classified as Pathogenic.

Ambry Genetics
Classification: Pathogenic for Cardiovascular phenotype. Last evaluated: 2026-01-13. Review status: criteria provided, single submitter. Criteria: Ambry Variant Classification Scheme 2023. Collection method: clinical testing. Allele origin: germline.
Comment: The p.G1546S variant (also known as c.4636G>A), located in coding exon 27 of the FLNC gene, results from a G to A substitution at nucleotide position 4636. The glycine at codon 1546 is replaced by serine, an amino acid with similar properties. This variant was identified in one or more individuals with features consistent with FLNC-related hypertrophic/restrictive cardiomyopathy, was determined to be de novo in at least one individual, and segregated with disease in at least one family (Sanoja AJ et al. J Transl Genet Genom. 2018, 2(6)); Verdonschot JAJ et al. Hum Mutat. 2020 Jun;41(6):1091-1111; Bagnall RD et al. Circ Genom Precis Med, 2022 Dec;15:e003686; Ware SM et al. Am J Hum Genet, 2022 Feb;109:282-298). This amino acid position is highly conserved in available vertebrate species. In addition, this alteration is predicted to be deleterious by in silico analysis. Based on the supporting evidence, this variant is interpreted as a disease-causing mutation for FLNC-related hypertrophic/restrictive cardiomyopathy and/or skeletal myopathy; however, its clinical significance for FLNC-related dilated cardiomyopathy is uncertain.

Molecular Diagnostic Laboratory for Inherited Cardiovascular Disease, Montreal Heart Institute
Classification: Likely pathogenic for Cardiovascular phenotype. Last evaluated: 2024-05-23. Review status: criteria provided, single submitter. Criteria: ACMG Guidelines, 2015. Collection method: clinical testing. Allele origin: germline. Affected: yes.
Comment: PP1_strong, PM2, PS4_supp, PP3, PP5

Blueprint Genetics
Classification: Likely pathogenic for FLNC-related disorders. Last evaluated: 2023-05-02. Review status: criteria provided, single submitter. Criteria: ACMG Guidelines, 2015. Collection method: clinical testing. Allele origin: germline. Affected: yes. Observed: 2 variant alleles.

Victorian Clinical Genetics Services, Murdoch Childrens Research Institute
Classification: Pathogenic for Hypertrophic cardiomyopathy 26. Last evaluated: 2022-02-02. Review status: criteria provided, single submitter. Criteria: ACMG Guidelines, 2015. Collection method: clinical testing. Allele origin: germline. Inheritance: Autosomal dominant inheritance.
Comment: Based on the classification scheme VCGS_Germline_v1.3.4, this variant is classified as Pathogenic. Following criteria are met: 0103 - Loss of function and gain of function are known mechanisms of disease in this gene. Loss of function is the established mechanism of disease for variants in dilated cardiomyopathy, hypertrophic cardiomyopathy, restrictive cardiomyopathy (MIM#617047) and myofibrillar myopathy (MIM#609524). In distal myopathy (MIM#614065), NMD-predicted variants cause a loss of function; however missense variants have been shown to result in a toxic gain of function (PMID: 32112656). (I) 0107 - This gene is associated with autosomal dominant disease. Variants located throughout the gene that are predicted to result in nonsense-mediated decay (NMD) are enriched in dilated cardiomyopathy, whereas missense variants in the ROD2 domain are enriched in hypertrophic cardiomyopathy and restrictive cardiomyopathy (MIM#617047). Additionally, myofibrillar myopathy (MIM#609524) is known to result from either missense variants in the ROD2 domain or truncating variants in the Ig-like domain 24, while missense variants in the actin-binding domain and NMD-predicted variants located in the Ig-like domain 15 and have been reported for distal myopathy (MIM#614065) (PMID: 32112656). (I) 0200 - Variant is predicted to result in a missense amino acid change from glycine to serine. (I) 0251 - This variant is heterozygous. (I) 0302 - Variant is present in gnomAD (v3) <0.001 for a dominant condition (3 heterozygotes, 0 homozygotes). (SP) 0309 - An alternative amino acid change at the same position has been observed in gnomAD (v2) (p.(Gly1546Asp):1 heterozygote, 0 homozygotes). (I) 0600 - Variant is located in the annotated Ig-like ROD1 domain (PMID: 32112656). (I) 0705 - No comparable missense variants have previous evidence for pathogenicity. (I) 0803 - This variant has limited previous evidence of pathogenicity. This variant has been described in one large multi-generational family with restrictive cardiomyopathy (Sanoja, A.J. et al. 2018). (SP) 0901 - This variant has strong evidence for segregation with disease. This variant has been shown to segregate with sixteen affected individuals in one multi-generational family with restrictive cardiomyopathy. Non-segregation of the variant with disease was not demonstrated (Sanoja, A.J. et al. 2018). (SP) 1007 - No published functional evidence has been identified for this variant. (I) Legend: (SP) - Supporting pathogenic, (I) - Information, (SB) - Supporting benign

Stanford Center for Inherited Cardiovascular Disease, Stanford University
Classification: Uncertain significance. Last evaluated: 2017-10-25. Review status: criteria provided, single submitter. Criteria: ACMG Guidelines, 2015. Collection method: provider interpretation. Allele origin: germline.

Neuberg Centre For Genomic Medicine, NCGM
Classification: Pathogenic for Hypertrophic cardiomyopathy 26. Review status: criteria provided, single submitter. Criteria: ACMG Guidelines, 2015. Collection method: clinical testing. Allele origin: germline. Inheritance: Autosomal dominant inheritance. Affected: yes.
Comment: The observed missense c.4636G>A(p.Gly1546Ser) variant in FLNC gene has been reported previously in heterozygous state in individual(s) affected with cardiomyopathies (Verdonschot et al., 2020). This variant is reported with the allele frequency of 0.0004% in the gnomAD Exomes. This variant has been reported to the ClinVar database as Pathogenic. The amino acid Gly at position 1546 is changed to a Ser changing protein sequence and it might alter its composition and physico-chemical properties. The amino acid change p.Gly1546Ser in FLNC is predicted as conserved by GERP++ and PhyloP across 100 vertebrates. The variant is predicted as damaging by SIFT. The missense variants in the ROD2 domain are enriched in hypertrophic cardiomyopathy and restrictive cardiomyopathy. For these reasons, this variant has been classified as Pathogenic.

Literature cited by the submitters: PubMed 32112656 (cited by 3 submitters); PubMed 2018 (cited by Labcorp Genetics (formerly Invitae), Labcorp); PubMed 2 (cited by Labcorp Genetics (formerly Invitae), Labcorp); PubMed 6 (cited by Labcorp Genetics (formerly Invitae), Labcorp); PubMed 34535832 (cited by Ambry Genetics); PubMed 35026164 (cited by Ambry Genetics); PubMed 36252119 (cited by Ambry Genetics).

NM_001458.5(FLNC):c.4636G>A (p.Gly1546Ser)

Gene: FLNC (filamin C; plus strand). Cytogenetic location: 7q32.1.
Variant type: single nucleotide variant.
Coding change: c.4636G>A on transcript NM_001458.5 (MANE Select); coding-DNA position 4636, G replaced by A.
Protein change: p.Gly1546Ser; replaces glycine 1546 with serine.
Molecular consequence: missense variant.
Genome position (GRCh38, 1-based): chr7:128,848,616, G>A. VCF-style: chr7-128848616-G-A. GRCh37 (hg19) VCF-style: chr7-128488670-G-A.
Other names: c.4636G>A, p.Gly1546Ser (NM_001127487.2); short protein forms G1546S.
Identifiers: ClinVar variation 472074 (VCV000472074.20), dbSNP rs774263134, ClinGen allele CA4475410.